The following is an entry in ClinVar:

NM_021956.5(GRIK2):c.1117G>A (p.Gly373Ser)

Gene: GRIK2 (glutamate ionotropic receptor kainate type subunit 2; plus strand). Cytogenetic location: 6q16.3.
Variant type: single nucleotide variant.
Coding change: c.1117G>A on transcript NM_021956.5 (MANE Select); coding-DNA position 1117, G replaced by A.
Protein change: p.Gly373Ser; replaces glycine 373 with serine.
Molecular consequence: missense variant.
Genome position (GRCh38, 1-based): chr6:101,802,352, G>A. VCF-style: chr6-101802352-G-A. GRCh37 (hg19) VCF-style: chr6-102250227-G-A.
Other names: c.1117G>A, p.Gly373Ser (NM_001166247.1, NM_175768.3); short protein forms G373S.
Identifiers: ClinVar variation 2430303 (VCV002430303.2), dbSNP rs914040945, ClinGen allele CA144660728.

ClinVar aggregate classification (germline): Uncertain significance (1 of 4 stars; one submission).

Submission:

Centre of Medical Genetics, University Hospital Muenster
Classification: Uncertain significance. Last evaluated: 2023-02-19. Review status: criteria provided, single submitter. Criteria: ACMG Guidelines, 2015. Collection method: clinical testing. Allele origin: unknown. Affected: yes. Observed: 1 variant allele, 1 heterozygote.
Comment: ACMG categories: PM2,BP1